The following is an entry in ClinVar:

ClinVar aggregate classification (germline): Uncertain significance (1 of 4 stars; one submission).

Conditions:
Hereditary cancer-predisposing syndrome. Also called: Hereditary Cancer Syndrome; Tumor predisposition; Hereditary neoplastic syndrome; Neoplastic Syndromes, Hereditary. Identifiers: Orphanet 140162, MedGen C0027672, MeSH D009386, MONDO:0015356.

Submission:

Ambry Genetics
Classification: Uncertain significance for Hereditary cancer-predisposing syndrome. Last evaluated: 2024-10-15. Review status: criteria provided, single submitter. Criteria: Ambry Variant Classification Scheme 2023. Collection method: clinical testing. Allele origin: germline.
Comment: The p.F475S variant (also known as c.1424T>C), located in coding exon 9 of the MSH3 gene, results from a T to C substitution at nucleotide position 1424. The phenylalanine at codon 475 is replaced by serine, an amino acid with highly dissimilar properties. This amino acid position is conserved. In addition, this alteration is predicted to be deleterious by in silico analysis. Based on the available evidence, the clinical significance of this variant remains unclear.

NM_002439.5(MSH3):c.1424T>C (p.Phe475Ser)

Gene: MSH3 (mutS homolog 3; plus strand). Cytogenetic location: 5q14.1.
Variant type: single nucleotide variant.
Coding change: c.1424T>C on transcript NM_002439.5 (MANE Select); coding-DNA position 1424, T replaced by C.
Protein change: p.Phe475Ser; replaces phenylalanine 475 with serine.
Molecular consequence: missense variant.
Genome position (GRCh38, 1-based): chr5:80,725,536, T>C. VCF-style: chr5-80725536-T-C. GRCh37 (hg19) VCF-style: chr5-80021355-T-C.
Other names: short protein forms F475S.
Identifiers: ClinVar variation 3398744 (VCV003398744.1).
Genomic context (GRCh38, chr5:80,725,536, plus strand): 5'-TCGAAAGGATGGATAACATTTATTTTGAATACAGCCATGCTTTCCAGGCAGTTACAGAGT[T>C]TTATGCAAAAGATACAGTTGACATCAAAGGTAAATATTTTCCCTGTATGTCCTCAAGTTG-3'
Protein context (NP_002430.3, residues 465-485): YSHAFQAVTE[Phe475Ser]YAKDTVDIKG